The following is an entry in ClinVar:

NM_153676.4(USH1C):c.324T>C (p.Phe108=)

Gene: USH1C (USH1 protein network component harmonin; minus strand). Cytogenetic location: 11p15.1.
Variant type: single nucleotide variant.
Coding change: c.324T>C on transcript NM_153676.4 (MANE Select); coding-DNA position 324, T replaced by C.
Protein change: p.Phe108=; no amino-acid change (phenylalanine 108 retained).
Molecular consequence: synonymous variant. On other transcripts: non-coding transcript variant (1).
Genome position (GRCh38, 1-based): chr11:17,531,217, A>G on the plus strand (T>C on the coding strand, the complement: USH1C is on the minus strand). VCF-style: chr11-17531217-A-G. GRCh37 (hg19) VCF-style: chr11-17552764-A-G.
Other names: c.324T>C, p.Phe108= (NM_001297764.2, NM_005709.4); c.324T>C (NM_153676.3).
Identifiers: ClinVar variation 763194 (VCV000763194.17), dbSNP rs549758189, ClinGen allele CA5905095.

ClinVar aggregate classification (germline): Benign/Likely benign. Review status: criteria provided, multiple submitters, no conflicts (2 of 4 stars). 5 submissions from 5 submitters: Benign (2); Likely benign (1). 2 of the submissions do not count toward it. Last evaluated 2026-06-01.

Conditions:
Usher syndrome type 1C. Also called: USHER SYNDROME, TYPE I, ACADIAN VARIETY. Identifiers: Orphanet 231169, Orphanet 886, MedGen C1848604, MONDO:0010171, OMIM 276904.
USH1C-related disorder. Also called: USH1C-related condition.

Allele frequency attached by ClinVar (database versions not stated): gnomAD below 0.00001 and 0.00018; TOPMed 0.00001; gnomAD exomes 0.00045 and 0.00086; 1000 Genomes Project 30x 0.00109; ExAC 0.00114; 1000 Genomes Project 0.00120.
gnomAD v4.1: 672 of 1,614,114 alleles (0.042%); highest among the groups gnomAD compares: South Asian, 0.72%; 15 homozygotes.

Submissions (5):

CeGaT Center for Human Genetics Tuebingen
Classification: Likely benign. Last evaluated: 2026-06-01. Review status: criteria provided, single submitter. Criteria: CeGaT Center For Human Genetics Tuebingen Variant Classification Criteria Version 2. Collection method: clinical testing. Allele origin: germline. Affected: yes. Observed: 1 variant allele.
Comment: USH1C: BP4, BP7, BS2

Labcorp Genetics (formerly Invitae), Labcorp
Classification: Benign. Last evaluated: 2026-01-26. Review status: criteria provided, single submitter. Criteria: Invitae Variant Classification Sherloc (09022015). Collection method: clinical testing. Allele origin: germline.

GeneDx
Classification: Benign. Last evaluated: 2020-01-13. Review status: criteria provided, single submitter. Criteria: GeneDx Variant Classification Process June 2021. Collection method: clinical testing. Allele origin: germline. Affected: yes.

Natera, Inc.
Classification: Benign for Usher syndrome type 1C. Last evaluated: 2020-04-11. Review status: no assertion criteria provided. Collection method: clinical testing. Allele origin: germline. Not counted in ClinVar's aggregate classification.

PreventionGenetics, part of Exact Sciences
Classification: Likely benign for USH1C-related condition. Last evaluated: 2019-07-12. Review status: no assertion criteria provided. Collection method: clinical testing. Allele origin: germline. Not counted in ClinVar's aggregate classification.
Comment: This variant is classified as likely benign based on ACMG/AMP sequence variant interpretation guidelines (Richards et al. 2015 PMID: 25741868, with internal and published modifications).